The following is an entry in ClinVar:

NM_000548.5(TSC2):c.5016C>T (p.Ile1672=)

Gene: TSC2 (TSC complex subunit 2; plus strand). Cytogenetic location: 16p13.3.
Variant type: single nucleotide variant.
Coding change: c.5016C>T on transcript NM_000548.5 (MANE Select); coding-DNA position 5016, C replaced by T.
Protein change: p.Ile1672=; no amino-acid change (isoleucine 1672 retained).
Molecular consequence: synonymous variant.
Genome position (GRCh38, 1-based): chr16:2,087,889, C>T. VCF-style: chr16-2087889-C-T. GRCh37 (hg19) VCF-style: chr16-2137890-C-T.
Other names: c.4815C>T, p.Ile1605= (NM_001077183.3); c.4947C>T, p.Ile1649= (NM_001114382.3); c.4707C>T, p.Ile1569= (NM_001318827.2); c.4671C>T, p.Ile1557= (NM_001318829.2); c.4284C>T, p.Ile1428= (NM_001318831.2); c.4848C>T, p.Ile1616= (NM_001318832.2); c.4818C>T, p.Ile1606= (NM_001363528.2); c.4884C>T, p.Ile1628= (NM_001370404.1); and 2 more.
Identifiers: ClinVar variation 413649 (VCV000413649.54), dbSNP rs370770569, ClinGen allele CA053500.

ClinVar aggregate classification (germline): Benign/Likely benign. Review status: criteria provided, multiple submitters, no conflicts (2 of 4 stars). 10 submissions from 10 submitters: Benign (4); Likely benign (6). Last evaluated 2026-02-01.

Conditions:
TSC2-related disorder. Also called: TSC2-Related Disorders; TSC2-related condition.
Hereditary cancer-predisposing syndrome. Also called: Tumor predisposition; Hereditary neoplastic syndrome; Hereditary Cancer Syndrome; Neoplastic Syndromes, Hereditary. Identifiers: Orphanet 140162, MedGen C0027672, MeSH D009386, MONDO:0015356.
Tuberous sclerosis syndrome (TSC). Also called: Tuberous Sclerosis Complex; Tuberous sclerosis. Identifiers: Orphanet 805, MedGen C0041341, MONDO:0001734.
Tuberous sclerosis 2 (TSC2). Identifiers: Orphanet 805, MedGen C1860707, MONDO:0013199, OMIM 613254.

Allele frequency attached by ClinVar (database versions not stated): gnomAD exomes 0.00004 and 0.00010; ExAC 0.00006; gnomAD 0.00007; TOPMed 0.00007; ESP Exome Variant Server 0.00008.
gnomAD v4.1: 77 of 1,611,976 alleles (0.0048%); highest among the groups gnomAD compares: Middle Eastern, 0.049%; no homozygotes.

Submissions (10):

Labcorp Genetics (formerly Invitae), Labcorp
Classification: Benign for Tuberous sclerosis 2. Last evaluated: 2026-02-01. Review status: criteria provided, single submitter. Criteria: Invitae Variant Classification Sherloc (09022015). Collection method: clinical testing. Allele origin: germline.

CeGaT Center for Human Genetics Tuebingen
Classification: Likely benign. Last evaluated: 2025-09-01. Review status: criteria provided, single submitter. Criteria: CeGaT Center For Human Genetics Tuebingen Variant Classification Criteria Version 2. Collection method: clinical testing. Allele origin: germline. Affected: yes. Observed: 8 variant alleles.
Comment: TSC2: BP4, BP7

Myriad Genetics, Inc.
Classification: Benign for Tuberous sclerosis 2. Last evaluated: 2025-06-06. Review status: criteria provided, single submitter. Criteria: Myriad Autosomal Dominant, Autosomal Recessive and X-Linked Classification Criteria (2023). Collection method: clinical testing. Allele origin: unknown.
Comment: This variant is considered benign. This variant is a silent/synonymous amino acid change and it is not expected to impact splicing.

PreventionGenetics, part of Exact Sciences
Classification: Likely benign for TSC2-related condition. Last evaluated: 2025-03-27. Review status: criteria provided, single submitter. Criteria: ACMG Guidelines, 2015. Collection method: clinical testing. Allele origin: germline.
Comment: This variant is classified as likely benign based on ACMG/AMP sequence variant interpretation guidelines (Richards et al. 2015 PMID: 25741868, with internal and published modifications).

Color Diagnostics, LLC DBA Color Health
Classification: Likely benign for Tuberous sclerosis syndrome. Last evaluated: 2023-11-08. Review status: criteria provided, single submitter. Criteria: ACMG Guidelines, 2015. Collection method: clinical testing. Allele origin: germline.

Blueprint Genetics
Classification: Likely benign. Last evaluated: 2022-11-15. Review status: criteria provided, single submitter. Criteria: ACMG Guidelines, 2015. Collection method: clinical testing. Allele origin: germline.

Genome-Nilou Lab
Classification: Benign for Tuberous sclerosis 2. Last evaluated: 2021-11-07. Review status: criteria provided, single submitter. Criteria: ACMG Guidelines, 2015. Collection method: clinical testing. Allele origin: germline. Affected: no.

Sema4
Classification: Likely benign for Hereditary cancer-predisposing syndrome. Last evaluated: 2021-05-13. Review status: criteria provided, single submitter. Criteria: Sema4 Curation Guidelines. Collection method: curation. Allele origin: germline.

GeneDx
Classification: Benign. Last evaluated: 2020-01-16. Review status: criteria provided, single submitter. Criteria: GeneDx Variant Classification Process June 2021. Collection method: clinical testing. Allele origin: germline. Affected: yes.

Ambry Genetics
Classification: Likely benign for Hereditary cancer-predisposing syndrome. Last evaluated: 2015-06-05. Review status: criteria provided, single submitter. Criteria: Ambry Variant Classification Scheme 2023. Collection method: clinical testing. Allele origin: germline.